The following is an entry in ClinVar:

NM_000264.5(PTCH1):c.2488A>C (p.Lys830Gln)

Genes: PTCH1 (patched 1; minus strand), LOC100507346 (uncharacterized LOC100507346; plus strand). Cytogenetic location: 9q22.32.
Variant type: single nucleotide variant.
Coding change: c.2488A>C on transcript NM_000264.5 (MANE Select); coding-DNA position 2488, A replaced by C.
Protein change: p.Lys830Gln; replaces lysine 830 with glutamine.
Molecular consequence: missense variant. On other transcripts: non-coding transcript variant (2).
Genome position (GRCh38, 1-based): chr9:95,467,188, T>G on the plus strand (A>C on the coding strand, the complement: PTCH1 is on the minus strand). VCF-style: chr9-95467188-T-G. GRCh37 (hg19) VCF-style: chr9-98229470-T-G.
Other names: c.2485A>C, p.Lys829Gln (NM_001083603.3); c.2035A>C, p.Lys679Gln (NM_001083604.3, NM_001083605.3, NM_001083606.3 and 1 more transcripts); c.2290A>C, p.Lys764Gln (NM_001083602.3); c.2332A>C, p.Lys778Gln (NM_001354918.2); short protein forms K778Q, K829Q, K679Q, K764Q, K830Q.
Identifiers: ClinVar variation 2742839 (VCV002742839.3), dbSNP rs2117952428, ClinGen allele CA374113963.

ClinVar aggregate classification (germline): Uncertain significance (1 of 4 stars; one submission).

Conditions:
Gorlin syndrome. Also called: Basal cell nevus syndrome; Nevoid Basal Cell Carcinoma Syndrome. Identifiers: Orphanet 377, MedGen C0004779, MONDO:0007187.

Submission:

Labcorp Genetics (formerly Invitae), Labcorp
Classification: Uncertain significance for Gorlin syndrome. Last evaluated: 2023-09-01. Review status: criteria provided, single submitter. Criteria: Invitae Variant Classification Sherloc (09022015). Collection method: clinical testing. Allele origin: germline.
Comment: In summary, the available evidence is currently insufficient to determine the role of this variant in disease. Therefore, it has been classified as a Variant of Uncertain Significance. Advanced modeling of protein sequence and biophysical properties (such as structural, functional, and spatial information, amino acid conservation, physicochemical variation, residue mobility, and thermodynamic stability) performed at Invitae indicates that this missense variant is not expected to disrupt PTCH1 protein function. This variant has not been reported in the literature in individuals affected with PTCH1-related conditions. This variant is not present in population databases (gnomAD no frequency). This sequence change replaces lysine, which is basic and polar, with glutamine, which is neutral and polar, at codon 830 of the PTCH1 protein (p.Lys830Gln).